The following is an entry in ClinVar:

ClinVar aggregate classification (germline): Uncertain significance. Review status: criteria provided, multiple submitters, no conflicts (2 of 4 stars). 2 submissions from 2 submitters: Uncertain significance (2). Last evaluated 2024-12-10.

Conditions:
Inborn genetic diseases. Identifiers: MedGen C0950123, MeSH D030342.

Allele frequency attached by ClinVar (database versions not stated): gnomAD exomes below 0.00001.
gnomAD v4.1: 4 of 1,613,964 alleles (0.00025%); highest among the groups gnomAD compares: African/African-American, 0.0027%; no homozygotes.

Submissions (2):

Ambry Genetics
Classification: Uncertain significance for Inborn genetic diseases. Last evaluated: 2024-12-10. Review status: criteria provided, single submitter. Criteria: Ambry Variant Classification Scheme 2023. Collection method: clinical testing. Allele origin: germline.
Comment: The p.N159K variant (also known as c.477C>A), located in coding exon 7 of the ASXL1 gene, results from a C to A substitution at nucleotide position 477. The asparagine at codon 159 is replaced by lysine, an amino acid with similar properties. This amino acid position is conserved. In addition, this alteration is predicted to be tolerated by in silico analysis. Based on the available evidence, the clinical significance of this variant remains unclear.

GeneDx
Classification: Uncertain significance. Last evaluated: 2022-12-29. Review status: criteria provided, single submitter. Criteria: GeneDx Variant Classification Process June 2021. Collection method: clinical testing. Allele origin: germline. Affected: yes.
Comment: Not observed at significant frequency in large population cohorts (gnomAD); In silico analysis supports that this missense variant does not alter protein structure/function; Has not been previously published as pathogenic or benign to our knowledge

NM_015338.6(ASXL1):c.477C>A (p.Asn159Lys)

Gene: ASXL1 (ASXL transcriptional regulator 1; plus strand). Cytogenetic location: 20q11.21.
Variant type: single nucleotide variant.
Coding change: c.477C>A on transcript NM_015338.6 (MANE Select); coding-DNA position 477, C replaced by A.
Protein change: p.Asn159Lys; replaces asparagine 159 with lysine.
Molecular consequence: missense variant.
Genome position (GRCh38, 1-based): chr20:32,429,343, C>A. VCF-style: chr20-32429343-C-A. GRCh37 (hg19) VCF-style: chr20-31017146-C-A.
Other names: c.447C>A, p.Asn149Lys (NM_001363734.1); short protein forms N149K, N159K.
Identifiers: ClinVar variation 2507272 (VCV002507272.2), dbSNP rs1019881696, ClinGen allele CA408552370.